The following is an entry in ClinVar:

ClinVar aggregate classification (germline): Uncertain significance. Review status: criteria provided, multiple submitters, no conflicts (2 of 4 stars). 2 submissions from 2 submitters: Uncertain significance (2). Last evaluated 2025-03-09.

Conditions:
Primary ciliary dyskinesia. Also called: Ciliary dyskinesia. Identifiers: Orphanet 244, MedGen C0008780, MONDO:0016575, HP:0012265.
Primary ciliary dyskinesia 6. Also called: Primary Ciliary Dyskinesia 6: TXNDC3-Related Primary Ciliary Dyskinesia. Identifiers: Orphanet 244, MedGen C1970506, MONDO:0012571, OMIM 610852.

gnomAD v4.1: 27 of 1,600,256 alleles (0.0017%); highest among the groups gnomAD compares: South Asian, 0.0055%; no homozygotes.

Submissions (2):

Labcorp Genetics (formerly Invitae), Labcorp
Classification: Uncertain significance for Primary ciliary dyskinesia 6. Last evaluated: 2025-03-09. Review status: criteria provided, single submitter. Criteria: Invitae Variant Classification Sherloc (09022015). Collection method: clinical testing. Allele origin: germline.
Comment: This sequence change replaces arginine, which is basic and polar, with glutamine, which is neutral and polar, at codon 127 of the NME8 protein (p.Arg127Gln). This variant is present in population databases (rs151218163, gnomAD 0.01%). This variant has not been reported in the literature in individuals affected with NME8-related conditions. Invitae Evidence Modeling of protein sequence and biophysical properties (such as structural, functional, and spatial information, amino acid conservation, physicochemical variation, residue mobility, and thermodynamic stability) has been performed for this missense variant. However, the output from this modeling did not meet the statistical confidence thresholds required to predict the impact of this variant on NME8 protein function. In summary, the available evidence is currently insufficient to determine the role of this variant in disease. Therefore, it has been classified as a Variant of Uncertain Significance.

Ambry Genetics
Classification: Uncertain significance for Primary ciliary dyskinesia. Last evaluated: 2025-02-18. Review status: criteria provided, single submitter. Criteria: Ambry Variant Classification Scheme 2023. Collection method: clinical testing. Allele origin: germline.
Comment: The p.R127Q variant (also known as c.380G>A), located in coding exon 5 of the NME8 gene, results from a G to A substitution at nucleotide position 380. The arginine at codon 127 is replaced by glutamine, an amino acid with highly similar properties. This amino acid position is highly conserved in available vertebrate species. In addition, this alteration is predicted to be tolerated by in silico analysis. Based on the available evidence, the clinical significance of this variant remains unclear.

NM_016616.5(NME8):c.380G>A (p.Arg127Gln)

Gene: NME8 (NME/NM23 family member 8; plus strand). Cytogenetic location: 7p14.1.
Variant type: single nucleotide variant.
Coding change: c.380G>A on transcript NM_016616.5 (MANE Select); coding-DNA position 380, G replaced by A.
Protein change: p.Arg127Gln; replaces arginine 127 with glutamine.
Molecular consequence: missense variant.
Genome position (GRCh38, 1-based): chr7:37,862,137, G>A. VCF-style: chr7-37862137-G-A. GRCh37 (hg19) VCF-style: chr7-37901739-G-A.
Other names: c.380G>A (NM_016616.4); short protein forms R127Q.
Identifiers: ClinVar variation 3715565 (VCV003715565.3).